The following is an entry in ClinVar:

NM_001379500.1(COL18A1):c.890A>C (p.Glu297Ala)

Gene: COL18A1 (collagen type XVIII alpha 1 chain; plus strand). Cytogenetic location: 21q22.3.
Variant type: single nucleotide variant.
Coding change: c.890A>C on transcript NM_001379500.1 (MANE Select); coding-DNA position 890, A replaced by C.
Protein change: p.Glu297Ala; replaces glutamic acid 297 with alanine.
Molecular consequence: missense variant.
Genome position (GRCh38, 1-based): chr21:45,476,442, A>C. VCF-style: chr21-45476442-A-C. GRCh37 (hg19) VCF-style: chr21-46896356-A-C.
Other names: NM_130445.2:c.890A>C; c.1430A>C, p.Glu477Ala (NM_030582.4); c.2135A>C, p.Glu712Ala (NM_130444.3); short protein forms E297A, E477A, E712A.
Identifiers: ClinVar variation 2129352 (VCV002129352.2), dbSNP rs987936151, ClinGen allele CA321913678.

ClinVar aggregate classification (germline): Uncertain significance. Review status: criteria provided, multiple submitters, no conflicts (2 of 4 stars). 2 submissions from 2 submitters: Uncertain significance (2). Last evaluated 2025-11-03.

Conditions:
Inborn genetic diseases. Identifiers: MedGen C0950123, MeSH D030342.

Allele frequency attached by ClinVar (database versions not stated): gnomAD exomes below 0.00001; gnomAD 0.00001; TOPMed 0.00003.
gnomAD v4.1: 3 of 1,613,748 alleles (0.00019%); highest among the groups gnomAD compares: African/African-American, 0.004%; no homozygotes.

Submissions (2):

Ambry Genetics
Classification: Uncertain significance for Inborn genetic diseases. Last evaluated: 2025-11-03. Review status: criteria provided, single submitter. Criteria: Ambry Variant Classification Scheme 2023. Collection method: clinical testing. Allele origin: germline.

Labcorp Genetics (formerly Invitae), Labcorp
Classification: Uncertain significance. Last evaluated: 2022-04-22. Review status: criteria provided, single submitter. Criteria: Invitae Variant Classification Sherloc (09022015). Collection method: clinical testing. Allele origin: germline.
Comment: This sequence change replaces glutamic acid, which is acidic and polar, with alanine, which is neutral and non-polar, at codon 297 of the COL18A1 protein (p.Glu297Ala). This variant is present in population databases (no rsID available, gnomAD 0.01%). This variant has not been reported in the literature in individuals affected with COL18A1-related conditions. Experimental studies and prediction algorithms are not available or were not evaluated, and the functional significance of this variant is currently unknown. In summary, the available evidence is currently insufficient to determine the role of this variant in disease. Therefore, it has been classified as a Variant of Uncertain Significance.